The following is an entry in ClinVar:

ClinVar aggregate classification (germline): Likely benign. Review status: criteria provided, single submitter (1 of 4 stars). 2 submissions from 2 submitters: Likely benign (1). 1 of the submissions does not count toward it. Last evaluated 2025-04-25.

Conditions:
SAMD9L-related disorder. Also called: SAMD9L-related disorders; SAMD9L-related condition.
Inborn genetic diseases. Identifiers: MedGen C0950123, MeSH D030342.

Allele frequency attached by ClinVar (database versions not stated): ExAC 0.00001; gnomAD exomes 0.00001.
gnomAD v4.1: 4 of 1,613,948 alleles (0.00025%); highest among the groups gnomAD compares: Non-Finnish European, 0.00034%; no homozygotes.

Submissions (2):

Ambry Genetics
Classification: Likely benign for Inborn genetic diseases. Last evaluated: 2025-04-25. Review status: criteria provided, single submitter. Criteria: Ambry Variant Classification Scheme 2023. Collection method: clinical testing. Allele origin: germline.

PreventionGenetics, part of Exact Sciences
Classification: Likely benign for SAMD9L-related condition. Last evaluated: 2021-12-06. Review status: no assertion criteria provided. Collection method: clinical testing. Allele origin: germline. Not counted in ClinVar's aggregate classification.
Comment: This variant is classified as likely benign based on ACMG/AMP sequence variant interpretation guidelines (Richards et al. 2015 PMID: 25741868, with internal and published modifications).

NM_152703.5(SAMD9L):c.4308A>G (p.Pro1436=)

Gene: SAMD9L (sterile alpha motif domain containing 9 like; minus strand). Cytogenetic location: 7q21.2.
Variant type: single nucleotide variant.
Coding change: c.4308A>G on transcript NM_152703.5 (MANE Select); coding-DNA position 4308, A replaced by G.
Protein change: p.Pro1436=; no amino-acid change (proline 1436 retained).
Molecular consequence: synonymous variant.
Genome position (GRCh38, 1-based): chr7:93,131,664, T>C on the plus strand (A>G on the coding strand, the complement: SAMD9L is on the minus strand). VCF-style: chr7-93131664-T-C. GRCh37 (hg19) VCF-style: chr7-92760977-T-C.
Other names: c.4308A>G (NM_152703.2); c.4308A>G, p.Pro1436= (NM_001303496.3, NM_001303497.3, NM_001303498.3 and 5 more transcripts).
Identifiers: ClinVar variation 3057841 (VCV003057841.3), dbSNP rs780633589, ClinGen allele CA4343326.